The following is an entry in ClinVar:

ClinVar aggregate classification (germline): Uncertain significance (1 of 4 stars; one submission).

Submission:

Labcorp Genetics (formerly Invitae), Labcorp
Classification: Uncertain significance. Last evaluated: 2021-04-01. Review status: criteria provided, single submitter. Criteria: Invitae Variant Classification Sherloc (09022015). Collection method: clinical testing. Allele origin: germline.
Comment: In summary, the available evidence is currently insufficient to determine the role of this variant in disease. Therefore, it has been classified as a Variant of Uncertain Significance. This sequence change replaces alanine with threonine at codon 1045 of the MSH3 protein (p.Ala1045Thr). The alanine residue is weakly conserved and there is a small physicochemical difference between alanine and threonine. The frequency data for this variant in the population databases is not available, as this variant may be reported as separate entries in the ExAC database. This variant has not been reported in the literature in individuals with MSH3-related conditions. Experimental studies and prediction algorithms are not available or were not evaluated, and the functional significance of this variant is currently unknown. Algorithms developed to predict the effect of sequence changes on RNA splicing suggest that this variant may create or strengthen a splice site, but this prediction has not been confirmed by published transcriptional studies.

NM_002439.5(MSH3):c.3132_3133delinsTA (p.Ala1045Thr)

Gene: MSH3 (mutS homolog 3; plus strand). Cytogenetic location: 5q14.1.
Variant type: Indel.
Coding change: c.3132_3133delinsTA on transcript NM_002439.5 (MANE Select); coding-DNA positions 3132 to 3133, CG replaced by TA.
Protein change: p.Ala1045Thr; replaces alanine 1045 with threonine.
Molecular consequence: missense variant.
Genome position (GRCh38, 1-based): chr5:80,873,117-80,873,118, CG replaced by TA. VCF-style: chr5-80873117-CG-TA. GRCh37 (hg19) VCF-style: chr5-80168936-CG-TA.
Other names: short protein forms A1045T.
Identifiers: ClinVar variation 1478283 (VCV001478283.6), dbSNP rs2112128547, ClinGen allele CA2573139916.